The following is an entry in ClinVar:

NM_000784.4(CYP27A1):c.804G>T (p.Trp268Cys)

Gene: CYP27A1 (cytochrome P450 family 27 subfamily A member 1; plus strand). Cytogenetic location: 2q35.
Variant type: single nucleotide variant.
Coding change: c.804G>T on transcript NM_000784.4 (MANE Select); coding-DNA position 804, G replaced by T.
Protein change: p.Trp268Cys; replaces tryptophan 268 with cysteine.
Molecular consequence: missense variant.
Genome position (GRCh38, 1-based): chr2:218,812,709, G>T. VCF-style: chr2-218812709-G-T. GRCh37 (hg19) VCF-style: chr2-219677432-G-T.
Other names: c.804G>T (NM_000784.3); short protein forms W268C.
Identifiers: ClinVar variation 1482764 (VCV001482764.8), dbSNP rs1943736101, ClinGen allele CA350587346.

ClinVar aggregate classification (germline): Conflicting classifications of pathogenicity. Review status: criteria provided, conflicting classifications (1 of 4 stars). 3 submissions from 3 submitters: Pathogenic (1); Likely pathogenic (1); Uncertain significance (1). Last evaluated 2025-11-17.

Conditions:
Cholestanol storage disease (CTX). Also called: Cerebrotendinous Xanthomatosis; CTX: Cerebrotendinous xanthomatosis; CEREBRAL CHOLESTERINOSIS. Identifiers: Orphanet 909, MedGen C0238052, MONDO:0008948, OMIM 213700.

Allele frequency attached by ClinVar (database versions not stated): gnomAD exomes below 0.00001; TOPMed below 0.00001.
gnomAD v4.1: 3 of 1,614,188 alleles (0.00019%); highest among the groups gnomAD compares: Admixed American, 0.0017%; no homozygotes.

Submissions (3):

Myriad Genetics, Inc.
Classification: Uncertain significance for Cholestanol storage disease. Last evaluated: 2025-11-17. Review status: criteria provided, single submitter. Criteria: Myriad Autosomal Dominant, Autosomal Recessive and X-Linked Classification Criteria (2023). Collection method: clinical testing. Allele origin: unknown.
Comment: NM_000784.3(CYP27A1):c.804G>T(W268C) is a missense variant classified as a variant of uncertain significance in the context of cerebrotendinous xanthomatosis. W268C has been observed in a case with relevant disease (PMID: 21404287). Relevant functional assessments of this variant are not available in the literature. W268C has not been observed in referenced population frequency databases. In summary, there is insufficient evidence to classify NM_000784.3(CYP27A1):c.804G>T(W268C) as pathogenic or benign. Please note: this variant was assessed in the context of healthy population screening.

Natera, Inc.
Classification: Likely pathogenic for Cerebrotendinous xanthomatosis. Last evaluated: 2025-06-24. Review status: criteria provided, single submitter. Criteria: Natera Variant Classification Schema (03/2026). Collection method: clinical testing. Allele origin: germline.
Comment: The c.804G>T variant in CYP27A1 is a missense variant predicted to cause substitution of tryptophan to cysteine at amino acid 268. This variant is rare in the general population with a frequency below the threshold expected for the associated phenotype(s). This variant has been observed in one or more individuals affected with the associated recessive disease, as either homozygous or compound heterozygous with a second variant (PMID: 21404287). This variant has been identified in one or more affected individuals with a phenotype highly consistent with the associated gene (PMID: 21404287). Computational prediction algorithms indicate this variant is likely to affect gene or protein function. Given the available evidence, this variant is classified as Likely Pathogenic.

Labcorp Genetics (formerly Invitae), Labcorp
Classification: Pathogenic for Cholestanol storage disease. Last evaluated: 2025-04-14. Review status: criteria provided, single submitter. Criteria: Invitae Variant Classification Sherloc (09022015). Collection method: clinical testing. Allele origin: germline.
Comment: This sequence change replaces tryptophan, which is neutral and slightly polar, with cysteine, which is neutral and slightly polar, at codon 268 of the CYP27A1 protein (p.Trp268Cys). This variant is not present in population databases (gnomAD no frequency). This missense change has been observed in individual(s) with cerebrotendinous xanthomatosis (PMID: 21404287). ClinVar contains an entry for this variant (Variation ID: 1482764). Invitae Evidence Modeling of protein sequence and biophysical properties (such as structural, functional, and spatial information, amino acid conservation, physicochemical variation, residue mobility, and thermodynamic stability) indicates that this missense variant is expected to disrupt CYP27A1 protein function with a positive predictive value of 95%. Algorithms developed to predict the effect of sequence changes on RNA splicing suggest that this variant may create or strengthen a splice site. For these reasons, this variant has been classified as Pathogenic.

Literature cited by the submitters: PubMed 21404287 (cited by 3 submitters).